The following is an entry in ClinVar:

NM_005989.4(AKR1D1):c.49A>G (p.Ser17Gly)

Gene: AKR1D1 (aldo-keto reductase family 1 member D1; plus strand). Cytogenetic location: 7q33.
Variant type: single nucleotide variant.
Coding change: c.49A>G on transcript NM_005989.4 (MANE Select); coding-DNA position 49, A replaced by G.
Protein change: p.Ser17Gly; replaces serine 17 with glycine.
Molecular consequence: missense variant.
Genome position (GRCh38, 1-based): chr7:138,076,567, A>G. VCF-style: chr7-138076567-A-G. GRCh37 (hg19) VCF-style: chr7-137761313-A-G.
Other names: c.49A>G, p.Ser17Gly (NM_001190906.2, NM_001190907.2); c.49A>G (NM_005989.3); short protein forms S17G.
Identifiers: ClinVar variation 500826 (VCV000500826.12), dbSNP rs143960528, ClinGen allele CA4502550.
Genomic context (GRCh38, chr7:138,076,567, plus strand): 5'-AGGTTCTCCACAATGGATCTCAGTGCTGCAAGTCACCGCATACCTCTAAGTGATGGAAAC[A>G]GCATTCCCATCATCGGACTTGGTACCTACTCAGAACCTAAATCGGTAAGCTTATTTTTTC-3'
Protein context (NP_005980.1, residues 7-27): SHRIPLSDGN[Ser17Gly]IPIIGLGTYS

ClinVar aggregate classification (germline): Conflicting classifications of pathogenicity. Review status: criteria provided, conflicting classifications (1 of 4 stars). 4 submissions from 4 submitters: Uncertain significance (2); Likely benign (1). 1 of the submissions does not count toward it. Last evaluated 2025-11-18.

Conditions:
Inborn genetic diseases. Identifiers: MedGen C0950123, MeSH D030342.
AKR1D1-related disorder. Also called: AKR1D1-related condition.

Allele frequency attached by ClinVar (database versions not stated): gnomAD exomes 0.00005 and 0.00011; ExAC 0.00010; 1000 Genomes Project 30x 0.00031; 1000 Genomes Project 0.00040; TOPMed 0.00050; gnomAD 0.00053 and 0.00058; ESP Exome Variant Server 0.00054.
gnomAD v4.1: 159 of 1,613,674 alleles (0.0099%); highest among the groups gnomAD compares: African/African-American, 0.2%; 1 homozygote.

Submissions (4):

Labcorp Genetics (formerly Invitae), Labcorp
Classification: Likely benign. Last evaluated: 2025-11-18. Review status: criteria provided, single submitter. Criteria: Invitae Variant Classification Sherloc (09022015). Collection method: clinical testing. Allele origin: germline.

Ambry Genetics
Classification: Uncertain significance for Inborn genetic diseases. Last evaluated: 2021-10-26. Review status: criteria provided, single submitter. Criteria: Ambry Variant Classification Scheme 2023. Collection method: clinical testing. Allele origin: germline.

Eurofins Ntd Llc (ga)
Classification: Uncertain significance. Last evaluated: 2017-03-13. Review status: criteria provided, single submitter. Criteria: EGL Classification Definitions 2015. Collection method: clinical testing. Allele origin: germline. Observed: 1 variant allele, 1 heterozygote.

PreventionGenetics, part of Exact Sciences
Classification: Likely benign for AKR1D1-related condition. Last evaluated: 2023-09-21. Review status: no assertion criteria provided. Collection method: clinical testing. Allele origin: germline. Not counted in ClinVar's aggregate classification.
Comment: This variant is classified as likely benign based on ACMG/AMP sequence variant interpretation guidelines (Richards et al. 2015 PMID: 25741868, with internal and published modifications).